The following is an entry in ClinVar:

NM_000053.4(ATP7B):c.3055C>A (p.His1019Asn)

Gene: ATP7B (ATPase copper transporting beta; minus strand). Cytogenetic location: 13q14.3.
Variant type: single nucleotide variant.
Coding change: c.3055C>A on transcript NM_000053.4 (MANE Select); coding-DNA position 3055, C replaced by A.
Protein change: p.His1019Asn; replaces histidine 1019 with asparagine.
Molecular consequence: missense variant.
Genome position (GRCh38, 1-based): chr13:51,946,289, G>T on the plus strand (C>A on the coding strand, the complement: ATP7B is on the minus strand). VCF-style: chr13-51946289-G-T. GRCh37 (hg19) VCF-style: chr13-52520425-G-T.
Other names: c.2434C>A, p.His812Asn (NM_001005918.3); c.2722C>A, p.His908Asn (NM_001243182.2); c.2821C>A, p.His941Asn (NM_001330578.2); c.2803C>A, p.His935Asn (NM_001330579.2); short protein forms H812N, H1019N, H908N, H935N, H941N.
Identifiers: ClinVar variation 1397453 (VCV001397453.6), dbSNP rs2139046533, ClinGen allele CA388031747.

ClinVar aggregate classification (germline): Uncertain significance (1 of 4 stars; one submission).

Conditions:
Wilson disease (WND). Also called: Wilson's disease. Identifiers: Orphanet 905, MedGen C0019202, MONDO:0010200, OMIM 277900. Disease mechanism: loss of function.

Submission:

Labcorp Genetics (formerly Invitae), Labcorp
Classification: Uncertain significance for Wilson disease. Last evaluated: 2023-10-13. Review status: criteria provided, single submitter. Criteria: Invitae Variant Classification Sherloc (09022015). Collection method: clinical testing. Allele origin: germline.
Comment: This sequence change replaces histidine, which is basic and polar, with asparagine, which is neutral and polar, at codon 1019 of the ATP7B protein (p.His1019Asn). This variant is not present in population databases (gnomAD no frequency). This variant has not been reported in the literature in individuals affected with ATP7B-related conditions. Advanced modeling of protein sequence and biophysical properties (such as structural, functional, and spatial information, amino acid conservation, physicochemical variation, residue mobility, and thermodynamic stability) performed at Invitae indicates that this missense variant is expected to disrupt ATP7B protein function with a positive predictive value of 80%. This variant disrupts the p.His1019 amino acid residue in ATP7B. Other variant(s) that disrupt this residue have been observed in individuals with ATP7B-related conditions (PMID: 35220961), which suggests that this may be a clinically significant amino acid residue. In summary, the available evidence is currently insufficient to determine the role of this variant in disease. Therefore, it has been classified as a Variant of Uncertain Significance.

Literature cited by the submitters: PubMed 35220961.